The following is an entry in ClinVar:

ClinVar aggregate classification (germline): Uncertain significance (1 of 4 stars; one submission).

Conditions:
Congenital disorder of deglycosylation (CDDG). Identifiers: MedGen C3808991, MONDO:0031376.

Allele frequency attached by ClinVar (database versions not stated): gnomAD exomes below 0.00001; gnomAD 0.00001.
gnomAD v4.1: 3 of 1,613,974 alleles (0.00019%); highest among the groups gnomAD compares: African/African-American, 0.0013%; no homozygotes.

Submission:

Labcorp Genetics (formerly Invitae), Labcorp
Classification: Uncertain significance for Congenital disorder of deglycosylation. Last evaluated: 2022-03-18. Review status: criteria provided, single submitter. Criteria: Invitae Variant Classification Sherloc (09022015). Collection method: clinical testing. Allele origin: germline.
Comment: This sequence change replaces histidine, which is basic and polar, with proline, which is neutral and non-polar, at codon 243 of the NGLY1 protein (p.His243Pro). This variant is not present in population databases (gnomAD no frequency). This variant has not been reported in the literature in individuals affected with NGLY1-related conditions. ClinVar contains an entry for this variant (Variation ID: 474233). Algorithms developed to predict the effect of missense changes on protein structure and function (SIFT, PolyPhen-2, Align-GVGD) all suggest that this variant is likely to be tolerated. In summary, the available evidence is currently insufficient to determine the role of this variant in disease. Therefore, it has been classified as a Variant of Uncertain Significance.

NM_018297.4(NGLY1):c.728A>C (p.His243Pro)

Gene: NGLY1 (N-glycanase 1; minus strand). Cytogenetic location: 3p24.2.
Variant type: single nucleotide variant.
Coding change: c.728A>C on transcript NM_018297.4 (MANE Select); coding-DNA position 728, A replaced by C.
Protein change: p.His243Pro; replaces histidine 243 with proline.
Molecular consequence: missense variant.
Genome position (GRCh38, 1-based): chr3:25,739,730, T>G on the plus strand (A>C on the coding strand, the complement: NGLY1 is on the minus strand). VCF-style: chr3-25739730-T-G. GRCh37 (hg19) VCF-style: chr3-25781221-T-G.
Other names: c.728A>C, p.His243Pro (NM_001145293.2, NM_001145295.2); c.602A>C, p.His201Pro (NM_001145294.2); short protein forms H201P, H243P.
Identifiers: ClinVar variation 474233 (VCV000474233.5), dbSNP rs1553654596, ClinGen allele CA351904136.